The following is an entry in ClinVar:

NM_006648.4(WNK2):c.3398A>G (p.Gln1133Arg)

Gene: WNK2 (WNK lysine deficient protein kinase 2; plus strand). Cytogenetic location: 9q22.31.
Variant type: single nucleotide variant.
Coding change: c.3398A>G on transcript NM_006648.4 (MANE Select); coding-DNA position 3398, A replaced by G.
Protein change: p.Gln1133Arg; replaces glutamine 1133 with arginine.
Molecular consequence: missense variant.
Genome position (GRCh38, 1-based): chr9:93,262,707, A>G. VCF-style: chr9-93262707-A-G. GRCh37 (hg19) VCF-style: chr9-96024989-A-G.
Other names: c.3398A>G, p.Gln1133Arg (NM_001282394.3); short protein forms Q1133R.
Identifiers: ClinVar variation 3982126 (VCV003982126.1).
Genomic context (GRCh38, chr9:93,262,707, plus strand): 5'-TTTTCTCCGGGTGTTTATTTCAGGAGCAGGCCTCACAGGACAAGCCGCCCGGCCTCCCGC[A>G]GAGCTGTGAGAGGTAGTGTGGCCCAGCCTCGACCTCGCAGGACGGGTGTAGGGGCGCAGG-3'
Protein context (NP_006639.3, residues 1123-1143): ASQDKPPGLP[Gln1133Arg]SCESYGGSDV

ClinVar aggregate classification (germline): Uncertain significance (1 of 4 stars; one submission).

gnomAD v4.1: 40 of 1,612,338 alleles (0.0025%); highest among the groups gnomAD compares: South Asian, 0.035%; no homozygotes.

Submission:

Ambry Genetics
Classification: Uncertain significance. Last evaluated: 2025-05-27. Review status: criteria provided, single submitter. Criteria: Ambry Variant Classification Scheme 2023. Collection method: clinical testing. Allele origin: germline.
Comment: The p.Q1133R variant (also known as c.3398A>G), located in coding exon 13 of the WNK2 gene, results from an A to G substitution at nucleotide position 3398. The glutamine at codon 1133 is replaced by arginine, an amino acid with highly similar properties. This amino acid position is conserved. In addition, this alteration is predicted to be tolerated by in silico analysis. Based on the available evidence, the clinical significance of this variant remains unclear.